The following is an entry in ClinVar:

NM_000059.4(BRCA2):c.5145G>T (p.Leu1715Phe)

Gene: BRCA2 (BRCA2 DNA repair associated; plus strand). Cytogenetic location: 13q13.1.
Variant type: single nucleotide variant.
Coding change: c.5145G>T on transcript NM_000059.4 (MANE Select); coding-DNA position 5145, G replaced by T.
Protein change: p.Leu1715Phe; replaces leucine 1715 with phenylalanine.
Molecular consequence: missense variant. On other transcripts: non-coding transcript variant (1), intron variant (2).
Genome position (GRCh38, 1-based): chr13:32,339,500, G>T. VCF-style: chr13-32339500-G-T. GRCh37 (hg19) VCF-style: chr13-32913637-G-T.
Other names: c.5145G>T, p.Leu1715Phe (NM_001406719.1, NM_001406720.1, NM_001432077.1); c.1910-5058G>T (NM_001406721.1); c.425-5058G>T (NM_001406722.1); short protein forms L1715F.
Identifiers: ClinVar variation 5033319 (VCV005033319.1).

ClinVar aggregate classification (germline): Uncertain significance (1 of 4 stars; one submission).

Conditions:
Hereditary cancer-predisposing syndrome. Also called: Neoplastic Syndromes, Hereditary; Tumor predisposition; Hereditary neoplastic syndrome; Hereditary Cancer Syndrome. Identifiers: Orphanet 140162, MedGen C0027672, MeSH D009386, MONDO:0015356.

Submission:

Ambry Genetics
Classification: Uncertain significance for Hereditary cancer-predisposing syndrome. Last evaluated: 2026-07-21. Review status: criteria provided, single submitter. Criteria: Ambry Variant Classification Scheme 2023. Collection method: clinical testing. Allele origin: germline.
Comment: The p.L1715F variant (also known as c.5145G>T), located in coding exon 10 of the BRCA2 gene, results from a G to T substitution at nucleotide position 5145. The leucine at codon 1715 is replaced by phenylalanine, an amino acid with highly similar properties. This amino acid position is conserved. In addition, this alteration is predicted to be tolerated by in silico analysis. Based on the available evidence, the clinical significance of this variant remains unclear.